The following is an entry in ClinVar:

ClinVar aggregate classification (germline): Uncertain significance. Review status: criteria provided, multiple submitters, no conflicts (2 of 4 stars). 4 submissions from 4 submitters: Uncertain significance (4). Last evaluated 2025-11-08.

Conditions:
Arrhythmogenic cardiomyopathy with wooly hair and keratoderma. Also called: PALMOPLANTAR KERATODERMA WITH LEFT VENTRICULAR CARDIOMYOPATHY AND WOOLLY HAIR; Carvajal syndrome; Dilated cardiomyopathy with woolly hair and keratoderma; Arrhythmogenic cardiomyopathy with woolly hair and keratoderma. Identifiers: Orphanet 65282, MedGen C1854063, MONDO:0011581, OMIM 605676.
Arrhythmogenic right ventricular dysplasia 8 (ARVD8). Also called: Arrhythmogenic Right Ventricular Dysplasia/Cardiomyopathy 8; ARRHYTHMOGENIC RIGHT VENTRICULAR DYSPLASIA, FAMILIAL, 8; ARRHYTHMOGENIC RIGHT VENTRICULAR CARDIOMYOPATHY 8. Identifiers: MedGen C1843896, MONDO:0011831, OMIM 607450.
Cardiomyopathy (CMYO). Also called: Cardiomyopathies. Identifiers: Orphanet 167848, MedGen C0878544, MONDO:0004994, HP:0001638. Inheritance: Various modes of inheritance.
Cardiovascular phenotype. Identifiers: MedGen CN230736.

Allele frequency attached by ClinVar (database versions not stated): ExAC 0.00001; gnomAD 0.00001; gnomAD exomes 0.00001 and 0.00002; TOPMed 0.00002.
gnomAD v4.1: 28 of 1,614,128 alleles (0.0017%); highest among the groups gnomAD compares: Non-Finnish European, 0.0022%; no homozygotes.

Submissions (4):

Ambry Genetics
Classification: Uncertain significance for Cardiovascular phenotype. Last evaluated: 2025-11-08. Review status: criteria provided, single submitter. Criteria: Ambry Variant Classification Scheme 2023. Collection method: clinical testing. Allele origin: germline.
Comment: The c.7534G>T (p.D2512Y) alteration is located in exon 24 (coding exon 24) of the DSP gene. This alteration results from a G to T substitution at nucleotide position 7534, causing the aspartic acid (D) at amino acid position 2512 to be replaced by a tyrosine (Y). Based on data from gnomAD, the T allele has an overall frequency of 0.001% (2/251488) total alleles studied. The highest observed frequency was 0.002% (2/113770) of European (non-Finnish) alleles. Based on insufficient or conflicting evidence, the clinical significance of this alteration remains unclear.

Labcorp Genetics (formerly Invitae), Labcorp
Classification: Uncertain significance for Arrhythmogenic cardiomyopathy with wooly hair and keratoderma; Arrhythmogenic right ventricular dysplasia 8. Last evaluated: 2025-01-20. Review status: criteria provided, single submitter. Criteria: Invitae Variant Classification Sherloc (09022015). Collection method: clinical testing. Allele origin: germline.
Comment: This sequence change replaces aspartic acid, which is acidic and polar, with tyrosine, which is neutral and polar, at codon 2512 of the DSP protein (p.Asp2512Tyr). This variant is present in population databases (rs772574987, gnomAD 0.002%). This missense change has been observed in individual(s) with arrythmogenic right ventricular cardiomyopathy (PMID: 21636032, 35352813). ClinVar contains an entry for this variant (Variation ID: 405229). An algorithm developed to predict the effect of missense changes on protein structure and function (PolyPhen-2) suggests that this variant is likely to be disruptive. Experimental studies have shown that this missense change does not substantially affect DSP function (PMID: 30354334). In summary, the available evidence is currently insufficient to determine the role of this variant in disease. Therefore, it has been classified as a Variant of Uncertain Significance.

Color Diagnostics, LLC DBA Color Health
Classification: Uncertain significance for Cardiomyopathy. Last evaluated: 2024-06-06. Review status: criteria provided, single submitter. Criteria: ACMG Guidelines, 2015. Collection method: clinical testing. Allele origin: germline.
Comment: This missense variant replaces aspartic acid with tyrosine at codon 2512 of the DSP protein. Computational prediction is inconclusive regarding the impact of this variant on protein structure and function (internally defined REVEL score threshold 0.5 < inconclusive < 0.7, PMID: 27666373). A functional study has shown that this variant does not affect the binding of DSP protein to intermediate filaments (PMID: 30354334). This variant has not been reported in individuals affected with DSP-related disorders in the literature. This variant has been identified in 2/251488 chromosomes in the general population by the Genome Aggregation Database (gnomAD). The available evidence is insufficient to determine the role of this variant in disease conclusively. Therefore, this variant is classified as a Variant of Uncertain Significance.

All of Us Research Program, National Institutes of Health
Classification: Uncertain significance for Arrhythmogenic cardiomyopathy with wooly hair and keratoderma. Last evaluated: 2024-01-11. Review status: criteria provided, single submitter. Criteria: ACMG Guidelines, 2015. Collection method: clinical testing. Allele origin: germline. Inheritance: Autosomal dominant inheritance. Observed: 8 variant alleles, 8 heterozygotes.
Comment: This missense variant replaces aspartic acid with tyrosine at codon 2512 of the DSP protein. Computational prediction is inconclusive regarding the impact of this variant on protein structure and function (internally defined REVEL score threshold 0.5 < inconclusive < 0.7, PMID: 27666373). A functional study has shown that this variant does not affect the binding of DSP protein to intermediate filaments (PMID: 30354334). This variant has not been reported in individuals affected with cardiovascular disorders in the literature but has been observed in an healthy individual (PMID: 21636032). This variant has been identified in 2/251488 chromosomes in the general population by the Genome Aggregation Database (gnomAD). The available evidence is insufficient to determine the role of this variant in disease conclusively. Therefore, this variant is classified as a Variant of Uncertain Significance.

This study involves interpretation of variants in research participants for the purpose of population health screening. Participant phenotype was not available at the time of variant classification. Additional details can be found in publication PMID: 35346344, PMCID: PMC8962531

Literature cited by the submitters: PubMed 21636032 (cited by Labcorp Genetics (formerly Invitae), Labcorp and All of Us Research Program, National Institutes of Health); PubMed 35352813 (cited by Labcorp Genetics (formerly Invitae), Labcorp); PubMed 30354334 (cited by 3 submitters).

NM_004415.4(DSP):c.7534G>T (p.Asp2512Tyr)

Gene: DSP (desmoplakin; plus strand). Cytogenetic location: 6p24.3.
Variant type: single nucleotide variant.
Coding change: c.7534G>T on transcript NM_004415.4 (MANE Select); coding-DNA position 7534, G replaced by T.
Protein change: p.Asp2512Tyr; replaces aspartic acid 2512 with tyrosine.
Molecular consequence: missense variant.
Genome position (GRCh38, 1-based): chr6:7,584,796, G>T. VCF-style: chr6-7584796-G-T. GRCh37 (hg19) VCF-style: chr6-7585029-G-T.
Other names: c.7534G>T (LRG_423t1); c.5737G>T, p.Asp1913Tyr (NM_001008844.3); c.6205G>T, p.Asp2069Tyr (NM_001319034.2); short protein forms D2512Y, D1913Y, D2069Y.
Identifiers: ClinVar variation 405229 (VCV000405229.17), dbSNP rs772574987, ClinGen allele CA049991.
Genomic context (GRCh38, chr6:7,584,796, plus strand): 5'-ACCTTCAAAGAACTGTGTGAGCAGGAATGTGAATGGGAAGAAATAACCATCACGGGATCA[G>T]ATGGCTCCACCAGGGTGGTCCTGGTAGATAGAAAGACAGGCAGTCAGTATGATATTCAAG-3'
Protein context (NP_004406.2, residues 2502-2522): EWEEITITGS[Asp2512Tyr]GSTRVVLVDR